The following is an entry in ClinVar:

ClinVar aggregate classification (germline): Likely benign. Review status: criteria provided, multiple submitters, no conflicts (2 of 4 stars). 2 submissions from 2 submitters: Likely benign (2). Last evaluated 2024-02-04.

Conditions:
Carnitine palmitoyl transferase 1A deficiency. Also called: Carnitine palmitoyltransferase 1A deficiency; CPT I DEFICIENCY; CPT DEFICIENCY, HEPATIC, TYPE I; Carnitine palmitoyltransferase type I deficiency; CPT deficiency, hepatic, type IA. Identifiers: Orphanet 156, MedGen C1829703, MONDO:0009705, OMIM 255120.

Submissions (2):

Labcorp Genetics (formerly Invitae), Labcorp
Classification: Likely benign for Carnitine palmitoyl transferase 1A deficiency. Last evaluated: 2024-02-04. Review status: criteria provided, single submitter. Criteria: Invitae Variant Classification Sherloc (09022015). Collection method: clinical testing. Allele origin: germline.

GeneDx
Classification: Likely benign. Last evaluated: 2017-09-06. Review status: criteria provided, single submitter. Criteria: GeneDx Variant Classification (06012015). Collection method: clinical testing. Allele origin: germline. Affected: yes.
Comment: This variant is considered likely benign or benign based on one or more of the following criteria: it is a conservative change, it occurs at a poorly conserved position in the protein, it is predicted to be benign by multiple in silico algorithms, and/or has population frequency not consistent with disease.

NM_001876.4(CPT1A):c.282-14G>A

Gene: CPT1A (carnitine palmitoyltransferase 1A; minus strand). Cytogenetic location: 11q13.3.
Variant type: single nucleotide variant.
Coding change: c.282-14G>A on transcript NM_001876.4 (MANE Select); 14 bases into the intron before coding-DNA position 282, G replaced by A.
Molecular consequence: intron variant.
Genome position (GRCh38, 1-based): chr11:68,807,652, C>T on the plus strand (G>A on the coding strand, the complement: CPT1A is on the minus strand). VCF-style: chr11-68807652-C-T. GRCh37 (hg19) VCF-style: chr11-68575120-C-T.
Other names: c.282-14G>A (NM_001031847.3).
Identifiers: ClinVar variation 511578 (VCV000511578.3), dbSNP rs1555231768, ClinGen allele CA658797698.